The following is an entry in ClinVar:

NM_001318895.3(FHL2):c.698_699delinsAA (p.Gly233Glu)

Genes: FHL2 (four and a half LIM domains 2; minus strand), C2orf49 (chromosome 2 open reading frame 49; plus strand). Cytogenetic location: 2q12.2.
Variant type: Indel.
Coding change: c.698_699delinsAA on transcript NM_001318895.3 (MANE Select); coding-DNA positions 698 to 699, GC replaced by AA.
Protein change: p.Gly233Glu; replaces glycine 233 with glutamic acid.
Molecular consequence: missense variant.
Genome position (GRCh38, 1-based): chr2:105,361,424-105,361,425, GC replaced by TT on the plus strand (GC replaced by AA on the coding strand, the reverse complement: FHL2 is on the minus strand). VCF-style: chr2-105361424-GC-TT. GRCh37 (hg19) VCF-style: chr2-105977881-GC-TT.
Other names: c.698_699delinsAA, p.Gly233Glu (NM_001039492.3, NM_001318894.1, NM_001318896.2 and 4 more transcripts); c.356_357delinsAA, p.Gly119Glu (NM_001318897.2, NM_001318898.2); c.374_375delinsAA, p.Gly125Glu (NM_001318899.2); short protein forms G233E, G125E, G119E.
Identifiers: ClinVar variation 2152661 (VCV002152661.4), dbSNP rs2467139261, ClinGen allele CA2580063710.

ClinVar aggregate classification (germline): Uncertain significance (1 of 4 stars; one submission).

Conditions:
Primary dilated cardiomyopathy (DCM). Also called: Dilated Cardiomyopathy. Identifiers: Orphanet 217604, MedGen C0007193, MeSH D002311, MONDO:0005021, HP:0001644. Inheritance: Various modes of inheritance.

Submission:

Labcorp Genetics (formerly Invitae), Labcorp
Classification: Uncertain significance for Primary dilated cardiomyopathy. Last evaluated: 2025-02-12. Review status: criteria provided, single submitter. Criteria: Invitae Variant Classification Sherloc (09022015). Collection method: clinical testing. Allele origin: germline.
Comment: This sequence change replaces glycine, which is neutral and non-polar, with glutamic acid, which is acidic and polar, at codon 233 of the FHL2 protein (p.Gly233Glu). This variant is present in population databases (no rsID available, gnomAD 0.001%). This variant has not been reported in the literature in individuals affected with FHL2-related conditions. ClinVar contains an entry for this variant (Variation ID: 2152661). An algorithm developed to predict the effect of missense changes on protein structure and function (PolyPhen-2) suggests that this variant is likely to be disruptive. In summary, the available evidence is currently insufficient to determine the role of this variant in disease. Therefore, it has been classified as a Variant of Uncertain Significance.